The following is an entry in ClinVar:

NM_001382567.1(STIM1):c.895C>T (p.Arg299Trp)

Gene: STIM1 (stromal interaction molecule 1; plus strand). Cytogenetic location: 11p15.4.
Variant type: single nucleotide variant.
Coding change: c.895C>T on transcript NM_001382567.1 (MANE Select); coding-DNA position 895, C replaced by T.
Protein change: p.Arg299Trp; replaces arginine 299 with tryptophan.
Molecular consequence: missense variant.
Genome position (GRCh38, 1-based): chr11:4,074,605, C>T. VCF-style: chr11-4074605-C-T. GRCh37 (hg19) VCF-style: chr11-4095835-C-T.
Other names: c.895C>T, p.Arg299Trp (NM_001277961.3, NM_001277962.2, NM_001382568.1 and 2 more transcripts); c.673C>T, p.Arg225Trp (NM_001382566.1, NM_001382573.1, NM_001382574.1 and 5 more transcripts); c.760C>T, p.Arg254Trp (NM_001382569.1); c.667C>T, p.Arg223Trp (NM_001382570.1); c.415C>T, p.Arg139Trp (NM_001382571.1); c.406C>T, p.Arg136Trp (NM_001382580.1, NM_001382581.1); short protein forms R136W, R139W, R223W, R225W, R254W, R299W.
Identifiers: ClinVar variation 4865191 (VCV004865191.1).

ClinVar aggregate classification (germline): Uncertain significance (1 of 4 stars; one submission).

Conditions:
Inborn genetic diseases. Identifiers: MedGen C0950123, MeSH D030342.

gnomAD v4.1: 8 of 1,611,858 alleles (0.0005%); highest among the groups gnomAD compares: East Asian, 0.0022%; no homozygotes.

Submission:

Ambry Genetics
Classification: Uncertain significance for Inborn genetic diseases. Last evaluated: 2026-05-12. Review status: criteria provided, single submitter. Criteria: Ambry Variant Classification Scheme 2023. Collection method: clinical testing. Allele origin: germline.
Comment: The c.895C>T (p.R299W) alteration is located in exon 7 (coding exon 7) of the STIM1 gene. This alteration results from a C to T substitution at nucleotide position 895, causing the arginine (R) at amino acid position 299 to be replaced by a tryptophan (W). Based on data from gnomAD, the T allele has an overall frequency of <0.001% (1/244818) total alleles studied. The highest observed frequency was 0.006% (1/18006) of East Asian alleles. Based on insufficient or conflicting evidence, the clinical significance of this alteration remains unclear.